The following is an entry in ClinVar:

NM_031935.3(HMCN1):c.4543G>T (p.Ala1515Ser)

Gene: HMCN1 (hemicentin 1; plus strand). Cytogenetic location: 1q31.1.
Variant type: single nucleotide variant.
Coding change: c.4543G>T on transcript NM_031935.3 (MANE Select); coding-DNA position 4543, G replaced by T.
Protein change: p.Ala1515Ser; replaces alanine 1515 with serine.
Molecular consequence: missense variant.
Genome position (GRCh38, 1-based): chr1:186,007,195, G>T. VCF-style: chr1-186007195-G-T. GRCh37 (hg19) VCF-style: chr1-185976327-G-T.
Other names: short protein forms A1515S.
Identifiers: ClinVar variation 875554 (VCV000875554.9), dbSNP rs1332606772, ClinGen allele CA343880914.
Genomic context (GRCh38, chr1:186,007,195, plus strand): 5'-TTTTTGGGCGATCCTAATGTTGAACTTCTAGACAGAGGACAAGTCTTACATTTAAAGAAT[G>T]CACGGAGAAATGACAAGGGGCGCTACCAATGTACTGTGTCTAATGCAGCTGGCAAACAAG-3'
Protein context (NP_114141.2, residues 1505-1525): DRGQVLHLKN[Ala1515Ser]RRNDKGRYQC

ClinVar aggregate classification (germline): Uncertain significance. Review status: criteria provided, multiple submitters, no conflicts (2 of 4 stars). 3 submissions from 3 submitters: Uncertain significance (3). Last evaluated 2024-01-31.

Conditions:
Age related macular degeneration 1 (ARMD1). Also called: MACULOPATHY, AGE-RELATED, 1. Identifiers: MedGen C1864205, MONDO:0011285, OMIM 603075.

Allele frequency attached by ClinVar (database versions not stated): gnomAD exomes below 0.00001 and 0.00001; gnomAD 0.00001.

Submissions (3):

Labcorp Genetics (formerly Invitae), Labcorp
Classification: Uncertain significance. Last evaluated: 2024-01-31. Review status: criteria provided, single submitter. Criteria: Invitae Variant Classification Sherloc (09022015). Collection method: clinical testing. Allele origin: germline.
Comment: This sequence change replaces alanine, which is neutral and non-polar, with serine, which is neutral and polar, at codon 1515 of the HMCN1 protein (p.Ala1515Ser). This variant is present in population databases (no rsID available, gnomAD 0.004%). This variant has not been reported in the literature in individuals affected with HMCN1-related conditions. ClinVar contains an entry for this variant (Variation ID: 875554). An algorithm developed to predict the effect of missense changes on protein structure and function (PolyPhen-2) suggests that this variant is likely to be disruptive. In summary, the available evidence is currently insufficient to determine the role of this variant in disease. Therefore, it has been classified as a Variant of Uncertain Significance.

Genome-Nilou Lab
Classification: Uncertain significance for Age related macular degeneration 1. Last evaluated: 2023-04-11. Review status: criteria provided, single submitter. Criteria: ACMG Guidelines, 2015. Collection method: clinical testing. Allele origin: germline. Affected: no.

Illumina Laboratory Services, Illumina
Classification: Uncertain significance for Age related macular degeneration 1. Last evaluated: 2018-01-12. Review status: criteria provided, single submitter. Criteria: ICSL Variant Classification Criteria 13 December 2019. Collection method: clinical testing. Allele origin: germline.